The following is an entry in ClinVar:

NM_003801.4(GPAA1):c.462T>C (p.Ser154=)

Gene: GPAA1 (glycosylphosphatidylinositol anchor attachment 1; plus strand). Cytogenetic location: 8q24.3.
Variant type: single nucleotide variant.
Coding change: c.462T>C on transcript NM_003801.4 (MANE Select); coding-DNA position 462, T replaced by C.
Protein change: p.Ser154=; no amino-acid change (serine 154 retained).
Molecular consequence: synonymous variant.
Genome position (GRCh38, 1-based): chr8:144,083,809, T>C. VCF-style: chr8-144083809-T-C. GRCh37 (hg19) VCF-style: chr8-145138712-T-C.
Identifiers: ClinVar variation 1575728 (VCV001575728.13), dbSNP rs782209028, ClinGen allele CA4932827.

ClinVar aggregate classification (germline): Likely benign. Review status: criteria provided, multiple submitters, no conflicts (2 of 4 stars). 3 submissions from 3 submitters: Likely benign (3). Last evaluated 2026-03-01.

Allele frequency attached by ClinVar (database versions not stated): gnomAD 0.00003; ExAC 0.00005; TOPMed 0.00006; gnomAD exomes 0.00009 and 0.00019.
gnomAD v4.1: 280 of 1,609,676 alleles (0.017%); highest among the groups gnomAD compares: Non-Finnish European, 0.023%; no homozygotes.

Submissions (3):

CeGaT Center for Human Genetics Tuebingen
Classification: Likely benign. Last evaluated: 2026-03-01. Review status: criteria provided, single submitter. Criteria: CeGaT Center For Human Genetics Tuebingen Variant Classification Criteria Version 2. Collection method: clinical testing. Allele origin: germline. Affected: yes. Observed: 1 variant allele.
Comment: GPAA1: BP4, BP7

Labcorp Genetics (formerly Invitae), Labcorp
Classification: Likely benign. Last evaluated: 2025-07-15. Review status: criteria provided, single submitter. Criteria: Invitae Variant Classification Sherloc (09022015). Collection method: clinical testing. Allele origin: germline.

Blueprint Genetics
Classification: Likely benign. Last evaluated: 2022-04-22. Review status: criteria provided, single submitter. Criteria: ACMG Guidelines, 2015. Collection method: clinical testing. Allele origin: germline.